The following is an entry in ClinVar:

ClinVar aggregate classification (germline): Uncertain significance (1 of 4 stars; one submission).

Conditions:
Hereditary sensory and autonomic neuropathy type 7. Also called: Neuropathy, hereditary sensory and autonomic, type VII; HSAN VII. Identifiers: Orphanet 391397, MedGen C3809882, MONDO:0014244, OMIM 615548.
Familial episodic pain syndrome with predominantly lower limb involvement. Also called: Episodic pain syndrome, familial, 3. Identifiers: Orphanet 391384, Orphanet 391392, MedGen C3809899, MONDO:0014247, OMIM 615552.

Allele frequency attached by ClinVar (database versions not stated): gnomAD exomes below 0.00001 and 0.00001; TOPMed below 0.00001; gnomAD 0.00001.
gnomAD v4.1: 14 of 1,609,924 alleles (0.00087%); highest among the groups gnomAD compares: Non-Finnish European, 0.0012%; no homozygotes.

Submission:

Labcorp Genetics (formerly Invitae), Labcorp
Classification: Uncertain significance for Familial episodic pain syndrome with predominantly lower limb involvement; Hereditary sensory and autonomic neuropathy type 7. Last evaluated: 2024-10-15. Review status: criteria provided, single submitter. Criteria: Invitae Variant Classification Sherloc (09022015). Collection method: clinical testing. Allele origin: germline.
Comment: This sequence change affects a donor splice site in intron 25 of the SCN11A gene. While this variant is not anticipated to result in nonsense mediated decay, it likely alters RNA splicing and results in a disrupted protein product. This variant is present in population databases (no rsID available, gnomAD 0.0009%). This variant has not been reported in the literature in individuals affected with SCN11A-related conditions. ClinVar contains an entry for this variant (Variation ID: 646301). Variants that disrupt the consensus splice site are a relatively common cause of aberrant splicing (PMID: 17576681, 9536098). Algorithms developed to predict the effect of sequence changes on RNA splicing suggest that this variant may disrupt the consensus splice site. In summary, the available evidence is currently insufficient to determine the role of this variant in disease. Therefore, it has been classified as a Variant of Uncertain Significance.

Literature cited by the submitters: PubMed 17576681; PubMed 9536098.

NM_001349253.2(SCN11A):c.4327+2T>G

Gene: SCN11A (sodium voltage-gated channel alpha subunit 11; minus strand). Cytogenetic location: 3p22.2.
Variant type: single nucleotide variant.
Coding change: c.4327+2T>G on transcript NM_001349253.2 (MANE Select); the canonical splice donor site of the intron after coding-DNA position 4327, T replaced by G.
Molecular consequence: splice donor variant.
Genome position (GRCh38, 1-based): chr3:38,850,479, A>C on the plus strand (T>G on the coding strand, the complement: SCN11A is on the minus strand). VCF-style: chr3-38850479-A-C. GRCh37 (hg19) VCF-style: chr3-38891970-A-C.
Other names: c.4327+2T>G (NM_014139.3).
Identifiers: ClinVar variation 646301 (VCV000646301.6), dbSNP rs1271092061, ClinGen allele CA352165190.
Genomic context (GRCh38, chr3:38,850,479, plus strand): 5'-TGATAAGATTTACAAACTTACTTCTGGTTCTTAAAGTCCCTCTGACTGCTGATTTTACTT[A>C]CTAACAATGGAAAGAAGCACGACCACACAGTCAAATAAATTCCAGCCATTGGTGAAGTAG-3'